The following is an entry in ClinVar:

ClinVar aggregate classification (germline): Uncertain significance (1 of 4 stars; one submission).

Conditions:
FBLN1-related disorder. Also called: FBLN1-related condition.

gnomAD v4.1: 1 of 1,614,212 alleles (0.000062%); highest among the groups gnomAD compares: African/African-American, 0.0013%; no homozygotes.

Submission:

PreventionGenetics, part of Exact Sciences
Classification: Uncertain significance for FBLN1-related condition. Last evaluated: 2024-12-04. Review status: criteria provided, single submitter. Criteria: ACMG Guidelines, 2015. Collection method: clinical testing. Allele origin: germline.
Comment: The FBLN1 c.967C>T variant is predicted to result in the amino acid substitution p.His323Tyr. To our knowledge, this variant has not been reported in the literature or in a large population database (gnomAD), indicating this variant is rare. At this time, the clinical significance of this variant is uncertain due to the absence of conclusive functional and genetic evidence.

NM_006486.3(FBLN1):c.967C>T (p.His323Tyr)

Gene: FBLN1 (fibulin 1; plus strand). Cytogenetic location: 22q13.31.
Variant type: single nucleotide variant.
Coding change: c.967C>T on transcript NM_006486.3 (MANE Select); coding-DNA position 967, C replaced by T.
Protein change: p.His323Tyr; replaces histidine 323 with tyrosine.
Molecular consequence: missense variant.
Genome position (GRCh38, 1-based): chr22:45,541,273, C>T. VCF-style: chr22-45541273-C-T. GRCh37 (hg19) VCF-style: chr22-45937153-C-T.
Other names: c.967C>T, p.His323Tyr (NM_001996.4, NM_006485.4, NM_006487.3); short protein forms H323Y.
Identifiers: ClinVar variation 4998185 (VCV004998185.1).